The following is an entry in ClinVar:

NM_182961.4(SYNE1):c.3307G>A (p.Val1103Met)

Gene: SYNE1 (spectrin repeat containing nuclear envelope protein 1; minus strand). Cytogenetic location: 6q25.2.
Variant type: single nucleotide variant.
Coding change: c.3307G>A on transcript NM_182961.4 (MANE Select); coding-DNA position 3307, G replaced by A.
Protein change: p.Val1103Met; replaces valine 1103 with methionine.
Molecular consequence: missense variant.
Genome position (GRCh38, 1-based): chr6:152,450,713, C>T on the plus strand (G>A on the coding strand, the complement: SYNE1 is on the minus strand). VCF-style: chr6-152450713-C-T. GRCh37 (hg19) VCF-style: chr6-152771848-C-T.
Other names: c.3328G>A, p.Val1110Met (NM_033071.5); short protein forms V1110M, V1103M.
Identifiers: ClinVar variation 3571825 (VCV003571825.2).

ClinVar aggregate classification (germline): Uncertain significance. Review status: criteria provided, multiple submitters, no conflicts (2 of 4 stars). 2 submissions from 2 submitters: Uncertain significance (2). Last evaluated 2024-05-22.

gnomAD v4.1: 33 of 1,614,118 alleles (0.002%); highest among the groups gnomAD compares: Middle Eastern, 0.017%; no homozygotes.

Submissions (2):

Athena Diagnostics
Classification: Uncertain significance. Last evaluated: 2024-05-22. Review status: criteria provided, single submitter. Criteria: Athena Diagnostics Criteria. Collection method: clinical testing. Allele origin: unknown.
Comment: Available data are insufficient to determine the clinical significance of the variant at this time. The frequency of this variant in the general population is uninformative in assessment of its pathogenicity. Polyphen and MutationTaster predict this amino acid change may be benign.

Revvity Omics, Revvity
Classification: Uncertain significance. Last evaluated: 2023-09-29. Review status: criteria provided, single submitter. Criteria: ACMG Guidelines, 2015. Collection method: clinical testing. Allele origin: germline.